The following is an entry in ClinVar:

NM_001142800.2(EYS):c.5600C>A (p.Ser1867Tyr)

Gene: EYS (EGF-like photoreceptor maintenance factor; minus strand). Cytogenetic location: 6q12.
Variant type: single nucleotide variant.
Coding change: c.5600C>A on transcript NM_001142800.2 (MANE Select); coding-DNA position 5600, C replaced by A.
Protein change: p.Ser1867Tyr; replaces serine 1867 with tyrosine.
Molecular consequence: missense variant.
Genome position (GRCh38, 1-based): chr6:64,590,267, G>T on the plus strand (C>A on the coding strand, the complement: EYS is on the minus strand). VCF-style: chr6-64590267-G-T. GRCh37 (hg19) VCF-style: chr6-65300160-G-T.
Other names: c.5600C>A, p.Ser1867Tyr (NM_001292009.2); c.5600C>A (NM_001142800.1); short protein forms S1867Y.
Identifiers: ClinVar variation 992119 (VCV000992119.6), dbSNP rs542339299, ClinGen allele CA140340860.
Genomic context (GRCh38, chr6:64,590,267, plus strand): 5'-AAACTGAGAAACTCACCAGAAATCATCAGCCGTTGAGGTGCCAGAATGGATTCCAGTGAA[G>T]ACAAAGTAAGAGATCTAGTGAAGGGAAGATGCCGGCTTGCAGTGGGAAATTCCTGATATT-3'
Protein context (NP_001136272.1, residues 1857-1877): HLPFTRSLTL[Ser1867Tyr]SLESILAPQR

ClinVar aggregate classification (germline): Uncertain significance. Review status: criteria provided, multiple submitters, no conflicts (2 of 4 stars). 3 submissions from 3 submitters: Uncertain significance (2). 1 of the submissions does not count toward it. Last evaluated 2025-12-06.

Conditions:
Inborn genetic diseases. Identifiers: MedGen C0950123, MeSH D030342.
Autosomal recessive retinitis pigmentosa. Identifiers: MedGen C0339526.

gnomAD v4.1: 12 of 1,550,592 alleles (0.00077%); highest among the groups gnomAD compares: Admixed American, 0.016%; no homozygotes.

Submissions (3):

Labcorp Genetics (formerly Invitae), Labcorp
Classification: Uncertain significance. Last evaluated: 2025-12-06. Review status: criteria provided, single submitter. Criteria: Invitae Variant Classification Sherloc (09022015). Collection method: clinical testing. Allele origin: germline.
Comment: This sequence change replaces serine, which is neutral and polar, with tyrosine, which is neutral and polar, at codon 1867 of the EYS protein (p.Ser1867Tyr). This variant is present in population databases (no rsID available, gnomAD 0.04%). This variant has not been reported in the literature in individuals affected with EYS-related conditions. ClinVar contains an entry for this variant (Variation ID: 992119). Invitae Evidence Modeling of protein sequence and biophysical properties (such as structural, functional, and spatial information, amino acid conservation, physicochemical variation, residue mobility, and thermodynamic stability) has been performed for this missense variant. However, the output from this modeling did not meet the statistical confidence thresholds required to predict the impact of this variant on EYS protein function. In summary, the available evidence is currently insufficient to determine the role of this variant in disease. Therefore, it has been classified as a Variant of Uncertain Significance.

Ambry Genetics
Classification: Uncertain significance for Inborn genetic diseases. Last evaluated: 2025-10-14. Review status: criteria provided, single submitter. Criteria: Ambry Variant Classification Scheme 2023. Collection method: clinical testing. Allele origin: germline.

Natera, Inc.
Classification: Uncertain significance for Autosomal recessive retinitis pigmentosa. Last evaluated: 2020-10-29. Review status: no assertion criteria provided. Collection method: clinical testing. Allele origin: germline. Not counted in ClinVar's aggregate classification.